The following is an entry in ClinVar:

NM_001035.3(RYR2):c.11136G>C (p.Lys3712Asn)

Gene: RYR2 (ryanodine receptor 2; plus strand). Cytogenetic location: 1q43.
Variant type: single nucleotide variant.
Coding change: c.11136G>C on transcript NM_001035.3 (MANE Select); coding-DNA position 11136, G replaced by C.
Protein change: p.Lys3712Asn; replaces lysine 3712 with asparagine.
Molecular consequence: missense variant.
Genome position (GRCh38, 1-based): chr1:237,742,340, G>C. VCF-style: chr1-237742340-G-C. GRCh37 (hg19) VCF-style: chr1-237905640-G-C.
Other names: short protein forms K3712N.
Identifiers: ClinVar variation 1316634 (VCV001316634.2), dbSNP rs1691688586, ClinGen allele CA345422240.

ClinVar aggregate classification (germline): Uncertain significance (1 of 4 stars; one submission).

Submission:

GeneDx
Classification: Uncertain significance. Last evaluated: 2021-07-22. Review status: criteria provided, single submitter. Criteria: GeneDx Variant Classification Process June 2021. Collection method: clinical testing. Allele origin: germline. Affected: yes.
Comment: Not observed in large population cohorts (Lek et al., 2016); In silico analysis supports that this missense variant has a deleterious effect on protein structure/function; Has not been previously published as pathogenic or benign to our knowledge; Not located in one of the three hot-spot regions of the RYR2 gene, where the majority of pathogenic missense variants occur (Medeiros-Domingo et al., 2009)